The following is an entry in ClinVar:

NM_000257.4(MYH7):c.1888C>A (p.Pro630Thr)

Gene: MYH7 (myosin heavy chain 7; minus strand). Cytogenetic location: 14q11.2.
Variant type: single nucleotide variant.
Coding change: c.1888C>A on transcript NM_000257.4 (MANE Select); coding-DNA position 1888, C replaced by A.
Protein change: p.Pro630Thr; replaces proline 630 with threonine.
Molecular consequence: missense variant.
Genome position (GRCh38, 1-based): chr14:23,427,585, G>T on the plus strand (C>A on the coding strand, the complement: MYH7 is on the minus strand). VCF-style: chr14-23427585-G-T. GRCh37 (hg19) VCF-style: chr14-23896794-G-T.
Other names: c.1888C>A (NM_000257.2); short protein forms P630T.
Identifiers: ClinVar variation 1023003 (VCV001023003.11), dbSNP rs397516124, ClinGen allele CA389049611.
Genomic context (GRCh38, chr14:23,427,585, plus strand): 5'-GGCTCAGAACCTTGGCAGAATCCCTGCTCCTCTGTACCGGGAGCCTCAGTCCCTACTTAC[G>T]CGCATCAGCCCCAGCATAGTTGGCAAACAGGGTGCTGAGCAGCTTGAGGGAAGACTTCTG-3'
Protein context (NP_000248.2, residues 620-640): LFANYAGADA[Pro630Thr]IEKGKGKAKK

ClinVar aggregate classification (germline): Uncertain significance. Review status: criteria provided, multiple submitters, no conflicts (2 of 4 stars). 3 submissions from 3 submitters: Uncertain significance (2). 1 of the submissions does not count toward it. Last evaluated 2025-07-31.

Conditions:
Myosin storage myopathy (CMYO7A). Also called: Scapuloperoneal myopathy, MYH7-related; MYOPATHY, HYALINE BODY, AUTOSOMAL DOMINANT; MYH7-related late-onset scapuloperoneal muscular dystrophy; Congenital myopathy 7A, myosin storage, autosomal dominant; MYOPATHY WITH LYSIS OF TYPE I MYOFIBRILS; SCAPULOPERONEAL MUSCULAR DYSTROPHY. Identifiers: Orphanet 437572, Orphanet 636965, MedGen C1842160, MONDO:0008409, OMIM 608358.
Hypertrophic cardiomyopathy. Also called: HYPERTROPHIC MYOCARDIOPATHY. Identifiers: Orphanet 217569, MedGen C0007194, MeSH D002312, MONDO:0005045, HP:0001639.

gnomAD v4.1: 1 of 1,613,964 alleles (0.000062%); no homozygotes.

Submissions (3):

GeneDx
Classification: Uncertain significance. Last evaluated: 2025-07-31. Review status: criteria provided, single submitter. Criteria: GeneDx Variant Classification Process June 2021. Collection method: clinical testing. Allele origin: germline. Affected: yes.
Comment: Not observed at significant frequency in large population cohorts (gnomAD); In silico analysis suggests that this missense variant does not alter protein structure/function; This variant is associated with the following publications: (PMID: 27532257, 29300372, 37794383)

Labcorp Genetics (formerly Invitae), Labcorp
Classification: Uncertain significance for Hypertrophic cardiomyopathy. Last evaluated: 2021-10-16. Review status: criteria provided, single submitter. Criteria: Invitae Variant Classification Sherloc (09022015). Collection method: clinical testing. Allele origin: germline.
Comment: This variant is found within a region of MYH7 between codons 181 and 937 that contains the majority of the myosin head domain. Missense variants in this region have been shown to be significantly overrepresented in individuals with hypertrophic cardiomyopathy (PMID: 27532257). In summary, the available evidence is currently insufficient to determine the role of this variant in disease. Therefore, it has been classified as a Variant of Uncertain Significance. Variants that disrupt the consensus splice site are a relatively common cause of aberrant splicing (PMID: 17576681, 9536098). Algorithms developed to predict the effect of missense changes on protein structure and function are either unavailable or do not agree on the potential impact of this missense change (SIFT: "Deleterious"; PolyPhen-2: "Benign"; Align-GVGD: "Class C0"). This variant has not been reported in the literature in individuals affected with MYH7-related conditions. This variant is not present in population databases (ExAC no frequency). This sequence change replaces proline with threonine at codon 630 of the MYH7 protein (p.Pro630Thr). The proline residue is highly conserved and there is a small physicochemical difference between proline and threonine. It affects a nucleotide within the consensus splice site of the intron.

Rajaie Cardiovascular, Medical and Research Center, Iran University of Medical Sciences
Classification: Likely pathogenic for Myosin storage myopathy. Review status: no assertion criteria provided. Collection method: research. Allele origin: germline. Inheritance: Autosomal dominant inheritance. Affected: yes. Observed: 1 heterozygote. Not counted in ClinVar's aggregate classification.

Literature cited by the submitters: PubMed 27532257 (cited by Labcorp Genetics (formerly Invitae), Labcorp); PubMed 17576681 (cited by Labcorp Genetics (formerly Invitae), Labcorp); PubMed 9536098 (cited by Labcorp Genetics (formerly Invitae), Labcorp).